The following is an entry in ClinVar:

ClinVar aggregate classification (germline): Uncertain significance (1 of 4 stars; one submission).

Conditions:
Desmin-related myofibrillar myopathy (MFM1). Also called: Desminopathy; Desmin related myopathy (former name); Desmin storage myopathy (former name); MYOFIBRILLAR MYOPATHY WITH ARRHYTHMOGENIC RIGHT VENTRICULAR CARDIOMYOPATHY; DESMIN-RELATED MYOPATHY WITH ARRHYTHMOGENIC RIGHT VENTRICULAR CARDIOMYOPATHY; Myofibrillar myopathy 1. Identifiers: Orphanet 363543, Orphanet 98909, MedGen C1832370, MONDO:0011076, OMIM 601419.

Submission:

Labcorp Genetics (formerly Invitae), Labcorp
Classification: Uncertain significance for Desmin-related myofibrillar myopathy. Last evaluated: 2024-12-09. Review status: criteria provided, single submitter. Criteria: Invitae Variant Classification Sherloc (09022015). Collection method: clinical testing. Allele origin: germline.
Comment: This sequence change replaces valine, which is neutral and non-polar, with glycine, which is neutral and non-polar, at codon 168 of the DES protein (p.Val168Gly). This variant is not present in population databases (gnomAD no frequency). This variant has not been reported in the literature in individuals affected with DES-related conditions. Invitae Evidence Modeling of protein sequence and biophysical properties (such as structural, functional, and spatial information, amino acid conservation, physicochemical variation, residue mobility, and thermodynamic stability) indicates that this missense variant is not expected to disrupt DES protein function with a negative predictive value of 80%. In summary, the available evidence is currently insufficient to determine the role of this variant in disease. Therefore, it has been classified as a Variant of Uncertain Significance.

NM_001927.4(DES):c.503T>G (p.Val168Gly)

Gene: DES (desmin; plus strand). Cytogenetic location: 2q35.
Variant type: single nucleotide variant.
Coding change: c.503T>G on transcript NM_001927.4 (MANE Select); coding-DNA position 503, T replaced by G.
Protein change: p.Val168Gly; replaces valine 168 with glycine.
Molecular consequence: missense variant. On other transcripts: intron variant (1).
Genome position (GRCh38, 1-based): chr2:219,418,965, T>G. VCF-style: chr2-219418965-T-G. GRCh37 (hg19) VCF-style: chr2-220283687-T-G.
Other names: c.503T>G, p.Val168Gly (NM_001382708.1, NM_001382709.1, NM_001382710.1 and 2 more transcripts); c.495+8T>G (NM_001382713.1); short protein forms V168G.
Identifiers: ClinVar variation 3759169 (VCV003759169.2).
Genomic context (GRCh38, chr2:219,418,965, plus strand): 5'-CGACGCGAGTGGCCGAGCTCTACGAGGAGGAGCTGCGGGAGCTGCGGCGCCAGGTGGAGG[T>G]GCTCACTAACCAGCGCGCGCGCGTCGACGTCGAGCGCGACAACCTGCTCGACGACCTGCA-3'
Protein context (NP_001918.3, residues 158-178): ELRELRRQVE[Val168Gly]LTNQRARVDV